The following is an entry in ClinVar:

NM_001368882.1(COL13A1):c.1682C>T (p.Pro561Leu)

Gene: COL13A1 (collagen type XIII alpha 1 chain; plus strand). Cytogenetic location: 10q22.1.
Variant type: single nucleotide variant.
Coding change: c.1682C>T on transcript NM_001368882.1 (MANE Select); coding-DNA position 1682, C replaced by T.
Protein change: p.Pro561Leu; replaces proline 561 with leucine.
Molecular consequence: missense variant.
Genome position (GRCh38, 1-based): chr10:69,930,551, C>T. VCF-style: chr10-69930551-C-T. GRCh37 (hg19) VCF-style: chr10-71690307-C-T.
Other names: c.1649C>T, p.Pro550Leu (NM_001130103.2); c.1619C>T, p.Pro540Leu (NM_001320951.2, NM_001368884.1); c.1646C>T, p.Pro549Leu (NM_001368883.1); c.1583C>T, p.Pro528Leu (NM_001368885.1, NM_080801.4, NM_080802.4); c.1019C>T, p.Pro340Leu (NM_001368886.1); c.1592C>T, p.Pro531Leu (NM_001368895.1, NM_080800.4); c.1478C>T, p.Pro493Leu (NM_001368896.1, NM_001368898.1, NM_080798.4); c.1505C>T, p.Pro502Leu (NM_001368897.1); and 1 more; short protein forms P549L, P493L, P499L, P528L, P540L, P550L, P561L, P340L.
Identifiers: ClinVar variation 1369910 (VCV001369910.5), dbSNP rs201459030, ClinGen allele CA5534858.

ClinVar aggregate classification (germline): Uncertain significance (1 of 4 stars; one submission).

Allele frequency attached by ClinVar (database versions not stated): gnomAD exomes 0.00002 and 0.00006; ExAC 0.00005; ESP Exome Variant Server 0.00008; gnomAD 0.00009 and 0.00010; TOPMed 0.00011.
gnomAD v4.1: 49 of 1,612,164 alleles (0.003%); highest among the groups gnomAD compares: African/African-American, 0.017%; no homozygotes.

Submission:

Labcorp Genetics (formerly Invitae), Labcorp
Classification: Uncertain significance. Last evaluated: 2022-05-24. Review status: criteria provided, single submitter. Criteria: Invitae Variant Classification Sherloc (09022015). Collection method: clinical testing. Allele origin: germline.
Comment: This sequence change replaces proline, which is neutral and non-polar, with leucine, which is neutral and non-polar, at codon 550 of the COL13A1 protein (p.Pro550Leu). This variant is present in population databases (rs201459030, gnomAD 0.03%). This variant has not been reported in the literature in individuals affected with COL13A1-related conditions. Algorithms developed to predict the effect of missense changes on protein structure and function are either unavailable or do not agree on the potential impact of this missense change (SIFT: "Deleterious"; PolyPhen-2: "Probably Damaging"; Align-GVGD: "Class C0"). In summary, the available evidence is currently insufficient to determine the role of this variant in disease. Therefore, it has been classified as a Variant of Uncertain Significance.